The following is an entry in ClinVar:

NM_001378743.1(CYLD):c.*831C>T

Genes: CYLD-AS2 (CYLD antisense RNA 2; minus strand), CYLD (CYLD lysine 63 deubiquitinase; plus strand). Cytogenetic location: 16q12.1.
Variant type: single nucleotide variant.
Coding change: c.*831C>T on transcript NM_001378743.1 (MANE Select); 831 bases downstream of the stop codon, C replaced by T.
Molecular consequence: 3 prime UTR variant. On other transcripts: non-coding transcript variant (1).
Genome position (GRCh38, 1-based): chr16:50,797,339, C>T. VCF-style: chr16-50797339-C-T. GRCh37 (hg19) VCF-style: chr16-50831250-C-T.
Other names: c.*831C>T (NM_001042355.2, NM_001042412.3, NM_001378744.1 and 12 more transcripts).
Identifiers: ClinVar variation 319516 (VCV000319516.5), dbSNP rs144877731, ClinGen allele CA10647631.

ClinVar aggregate classification (germline): Benign. Review status: criteria provided, single submitter (1 of 4 stars). 3 submissions from 1 submitter: Benign (3). Last evaluated 2018-01-13.

Conditions:
Familial multiple trichoepitheliomata. Also called: Familial multiple trichoepithelioma. Identifiers: Orphanet 79493, Orphanet 867, MedGen C1275122, MONDO:0011114.
Brooke-Spiegler syndrome. Also called: CYLD Cutaneous Syndrome. Identifiers: Orphanet 79493, MedGen C1857941, MONDO:0011512, OMIM 605041.
Familial cylindromatosis. Also called: Turban tumor syndrome; ANCELL-SPIEGLER CYLINDROMAS. Identifiers: Orphanet 211, Orphanet 79493, MedGen C1851526, MONDO:0007565, OMIM 132700.

Allele frequency attached by ClinVar (database versions not stated): TOPMed 0.00001; gnomAD 0.00009; 1000 Genomes Project 30x 0.00062; 1000 Genomes Project 0.00080; gnomAD exomes 0.00142.
gnomAD v4.1: 118 of 232,114 alleles (0.051%); highest among the groups gnomAD compares: East Asian, 0.72%; 1 homozygote.

Submissions (3):

Illumina Laboratory Services, Illumina
Classification: Benign for Familial cylindromatosis. Last evaluated: 2018-01-13. Review status: criteria provided, single submitter. Criteria: ICSL Variant Classification Criteria 13 December 2019. Collection method: clinical testing. Allele origin: germline.
Comment: This variant was observed in the ICSL laboratory as part of a predisposition screen in an ostensibly healthy population. It had not been previously curated by ICSL or reported in the Human Gene Mutation Database (HGMD: prior to June 1st, 2018), and was therefore a candidate for classification through an automated scoring system. Utilizing variant allele frequency, disease prevalence and penetrance estimates, and inheritance mode, an automated score was calculated to assess if this variant is too frequent to cause the disease. Based on the score and internal cut-off values, a variant classified as benign is not then subjected to further curation. The score for this variant resulted in a classification of benign for this disease.

Illumina Laboratory Services, Illumina
Classification: Benign for Trichoepithelioma, multiple familial, 1. Last evaluated: 2018-01-13. Review status: criteria provided, single submitter. Criteria: ICSL Variant Classification Criteria 13 December 2019. Collection method: clinical testing. Allele origin: germline.
Comment: the same text as in the submission from Illumina Laboratory Services, Illumina above.

Illumina Laboratory Services, Illumina
Classification: Benign for Brooke-Spiegler syndrome. Last evaluated: 2018-01-13. Review status: criteria provided, single submitter. Criteria: ICSL Variant Classification Criteria 13 December 2019. Collection method: clinical testing. Allele origin: germline.
Comment: the same text as in the submission from Illumina Laboratory Services, Illumina above.